The following is an entry in ClinVar:

ClinVar aggregate classification (germline): Benign/Likely benign. Review status: criteria provided, multiple submitters, no conflicts (2 of 4 stars). 23 submissions from 23 submitters: Benign (12); Likely benign (4). 7 of the submissions do not count toward it. Last evaluated 2026-02-04.

Conditions:
Distal myopathy, Tateyama type (MPDT). Also called: CAV3-Related Distal Myopathy. Identifiers: Orphanet 488650, MedGen C3280443, MONDO:0013686, OMIM 614321.
Elevated circulating creatine kinase activity. Also called: Elevated circulating creatine kinase concentration; Elevated creatine kinase; Elevated serum creatine phosphokinase. Identifiers: MedGen C0241005, HP:0003236.
Long QT syndrome 9 (LQT9). Identifiers: Orphanet 101016, Orphanet 768, MedGen C2678485, MONDO:0012736, OMIM 611818.
Hypertrophic cardiomyopathy 1 (CMH1). Also called: Familial hypertrophic cardiomyopathy 1; MYH7-Related Familial Hypertrophic Cardiomyopathy. Identifiers: MedGen C3495498, MONDO:0008647, OMIM 192600.
Rippling muscle disease 2 (RMD2). Also called: Limb-girdle muscular dystrophy, type 1C; CAV3-Related Rippling Muscle Disease. Identifiers: Orphanet 265, MedGen C1832560, MONDO:0019947, OMIM 606072.
Cardiovascular phenotype. Identifiers: MedGen CN230736.
Limb-girdle muscular dystrophy (LGMD). Also called: Muscular Dystrophies, Limb-Girdle. Identifiers: Orphanet 263, MedGen C0686353, MeSH D049288, MONDO:0016971, HP:0006785.
Long QT syndrome (LQTS). Identifiers: MedGen C0023976, MeSH D008133, MONDO:0002442. Disease mechanism: loss of function. Inheritance: Various modes of inheritance.
Cardiomyopathy (CMYO). Also called: Cardiomyopathies. Identifiers: Orphanet 167848, MedGen C0878544, MONDO:0004994, HP:0001638. Inheritance: Various modes of inheritance.
Caveolinopathy. Identifiers: Orphanet 207078, MedGen C5679790, MONDO:0016146.
Long QT syndrome 1 (LQT1). Identifiers: Orphanet 101016, Orphanet 768, MedGen C4551647, MONDO:0100316, OMIM 192500, MONDO:0008646.

Allele frequency attached by ClinVar (database versions not stated): gnomAD 0.03344 and 0.03558; gnomAD exomes 0.00343 and 0.00888; 1000 Genomes Project 0.04093; 1000 Genomes Project 30x 0.04325; ExAC 0.01073; TOPMed 0.03771.
gnomAD v4.1: 10,393 of 1,614,038 alleles (0.64%); highest among the groups gnomAD compares: African/African-American, 12%; 549 homozygotes.

Submissions (23):

Labcorp Genetics (formerly Invitae), Labcorp
Classification: Benign for Long QT syndrome. Last evaluated: 2026-02-04. Review status: criteria provided, single submitter. Criteria: Invitae Variant Classification Sherloc (09022015). Collection method: clinical testing. Allele origin: germline.

Athena Diagnostics
Classification: Benign. Last evaluated: 2025-09-19. Review status: criteria provided, single submitter. Criteria: Athena Diagnostics Criteria. Collection method: clinical testing. Allele origin: unknown.
Comment: The frequency of this variant in the general population is higher than would generally be expected for pathogenic variants in this gene.

ARUP Laboratories, Molecular Genetics and Genomics, ARUP Laboratories
Classification: Benign. Last evaluated: 2023-11-29. Review status: criteria provided, single submitter. Criteria: ARUP Molecular Germline Variant Investigation Process 2024. Collection method: clinical testing. Allele origin: germline.

Fulgent Genetics
Classification: Likely benign for Creatine phosphokinase, elevated serum; Hypertrophic cardiomyopathy 1; Rippling muscle disease 2; Long QT syndrome 9; Distal myopathy, Tateyama type. Last evaluated: 2022-04-18. Review status: criteria provided, single submitter. Criteria: ACMG Guidelines, 2015. Collection method: clinical testing. Allele origin: unknown.

CHEO Genetics Diagnostic Laboratory, Children's Hospital of Eastern Ontario
Classification: Benign for Cardiomyopathy. Last evaluated: 2020-07-31. Review status: criteria provided, single submitter. Criteria: ACMG Guidelines, 2015. Collection method: clinical testing. Allele origin: germline.

Mendelics
Classification: Likely benign for Long QT syndrome 1. Last evaluated: 2019-05-28. Review status: criteria provided, single submitter. Criteria: Mendelics Assertion Criteria 2017. Collection method: clinical testing. Allele origin: unknown.

Mayo Clinic Laboratories, Mayo Clinic
Classification: Benign. Last evaluated: 2018-06-19. Review status: criteria provided, single submitter. Criteria: ACMG Guidelines, 2015. Collection method: clinical testing. Allele origin: germline. Observed: 60 variant alleles.

Illumina Laboratory Services, Illumina
Classification: Likely benign for Caveolinopathy. Last evaluated: 2017-04-27. Review status: criteria provided, single submitter. Criteria: ICSL Variant Classification Criteria 13 December 2019. Collection method: clinical testing. Allele origin: germline.
Comment: This variant was observed as part of a predisposition screen in an ostensibly healthy population. A literature search was performed for the gene, cDNA change, and amino acid change (where applicable). No publications were found based on this search. Allele frequency data from public databases allowed determination this variant is unlikely to cause disease. Therefore, this variant is classified as likely benign.

Center for Pediatric Genomic Medicine, Children's Mercy Hospital and Clinics
Classification: Benign. Last evaluated: 2016-09-08. Review status: criteria provided, single submitter. Criteria: ACMG Guidelines, 2015. Collection method: clinical testing. Allele origin: germline.

Ambry Genetics
Classification: Benign for Cardiovascular phenotype. Last evaluated: 2015-07-16. Review status: criteria provided, single submitter. Criteria: Ambry Variant Classification Scheme 2023. Collection method: clinical testing. Allele origin: germline.

Biesecker Lab/Clinical Genomics Section, National Institutes of Health
Classification: Benign for Muscular dystrophy, limb girdle. Last evaluated: 2013-06-24. Review status: criteria provided, single submitter. Criteria: Ng et al. (Circ Cardiovasc Genet. 2013). Collection method: research. Allele origin: unknown. Observed: 8 variant alleles. Study: ClinSeq.
Comment: The study set was not selected for affection status in relation to any cancer. Pathogenicity categories were based on literature curation. See Pubmed ID:23861362 for details.

Medical sequencing

Eurofins Ntd Llc (ga)
Classification: Benign. Last evaluated: 2013-03-01. Review status: criteria provided, single submitter. Criteria: EGL Classification Definitions 2015. Collection method: clinical testing. Allele origin: germline. Observed: 7 variant alleles, 6 heterozygotes, 1 homozygote.

Laboratory for Molecular Medicine, Mass General Brigham Personalized Medicine
Classification: Benign. Last evaluated: 2012-05-10. Review status: criteria provided, single submitter. Criteria: LMM Criteria. Collection method: clinical testing. Allele origin: germline. Observed: 47 variant alleles.
Comment: Gly56Ser in exon 2 of CAV3: This variant is not expected to have clinical signif icance because it has been identified in 10.9% (407/3738) of African American ch romosomes from a broad population by the NHLBI Exome Sequencing Project (dbSNP rs72546667)

GeneDx
Classification: Benign. Last evaluated: 2011-07-11. Review status: criteria provided, single submitter. Criteria: GeneDx Variant Classification (06012015). Collection method: clinical testing. Allele origin: germline. Affected: yes.
Comment: This variant is considered likely benign or benign based on one or more of the following criteria: it is a conservative change, it occurs at a poorly conserved position in the protein, it is predicted to be benign by multiple in silico algorithms, and/or has population frequency not consistent with disease.

Breakthrough Genomics
Classification: Likely benign. Review status: criteria provided, single submitter. Criteria: ACMG Guidelines, 2015. Collection method: not provided. Allele origin: germline. Inheritance: Autosomal recessive inheritance. Affected: yes.

PreventionGenetics, part of Exact Sciences
Classification: Benign. Review status: criteria provided, single submitter. Criteria: ACMG Guidelines, 2015. Collection method: clinical testing. Allele origin: germline.

OMIM
Classification: Uncertain significance for RECLASSIFIED - VARIANT OF UNKNOWN SIGNIFICANCE. Last evaluated: 2005-01-01. Review status: no assertion criteria provided. Collection method: literature only. Allele origin: germline. Not counted in ClinVar's aggregate classification.

Clinical Genetics, Academic Medical Center
Classification: Benign. Review status: no assertion criteria provided. Collection method: clinical testing. Allele origin: germline. Affected: yes. Study: VKGL Data-share Consensus. Not counted in ClinVar's aggregate classification.

Genetic Services Laboratory, University of Chicago
Classification: Likely benign for AllHighlyPenetrant. Review status: no assertion criteria provided. Collection method: clinical testing. Allele origin: germline. Inheritance: Autosomal dominant inheritance. Not counted in ClinVar's aggregate classification.
Comment: Likely benign based on allele frequency in 1000 Genomes Project or ESP global frequency and its presence in a patient with a rare or unrelated disease phenotype. NOT Sanger confirmed.

Genome Diagnostics Laboratory, University Medical Center Utrecht
Classification: Benign. Review status: no assertion criteria provided. Collection method: clinical testing. Allele origin: germline. Affected: yes. Study: VKGL Data-share Consensus. Not counted in ClinVar's aggregate classification.

Joint Genome Diagnostic Labs from Nijmegen and Maastricht, Radboudumc and MUMC+
Classification: Benign. Review status: no assertion criteria provided. Collection method: clinical testing. Allele origin: germline. Affected: yes. Study: VKGL Data-share Consensus. Not counted in ClinVar's aggregate classification.

Laboratory of Diagnostic Genome Analysis, Leiden University Medical Center (LUMC)
Classification: Likely benign. Review status: no assertion criteria provided. Collection method: clinical testing. Allele origin: germline. Affected: yes. Study: VKGL Data-share Consensus. Not counted in ClinVar's aggregate classification.

Leiden Muscular Dystrophy (CAV3)
No classification provided. Review status: no classification provided. Collection method: not provided. Allele origin: germline. Not counted in ClinVar's aggregate classification.

Literature cited by the submitters: PubMed 30055862 (cited by Athena Diagnostics and OMIM); PubMed 15580566 (cited by Athena Diagnostics and OMIM); PubMed 20472890 (cited by Athena Diagnostics); PubMed 11251997 (cited by Athena Diagnostics and OMIM); PubMed 11884389 (cited by Athena Diagnostics); PubMed 16770780 (cited by Athena Diagnostics); PubMed 17060380 (cited by Athena Diagnostics); PubMed 17275750 (cited by Athena Diagnostics); PubMed 9536092 (cited by Athena Diagnostics); Hamosh, A. Personal Communication. 2018. Baltimore, Md. (cited by OMIM); McNally, E. M. Personal Communication. 1998. Chicago, Ill. (cited by OMIM).

NM_033337.3(CAV3):c.166G>A (p.Gly56Ser)

Genes: CAV3 (caveolin 3; plus strand), OXTR (oxytocin receptor; minus strand). Cytogenetic location: 3p25.3.
Variant type: single nucleotide variant.
Coding change: c.166G>A on transcript NM_033337.3 (MANE Select); coding-DNA position 166, G replaced by A.
Protein change: p.Gly56Ser; replaces glycine 56 with serine.
Molecular consequence: missense variant.
Genome position (GRCh38, 1-based): chr3:8,745,577, G>A. VCF-style: chr3-8745577-G-A. GRCh37 (hg19) VCF-style: chr3-8787263-G-A.
Other names: p.G56S:GGC>AGC; c.166G>A, p.Gly56Ser (NM_001234.5); short protein forms G56S.
Identifiers: ClinVar variation 8278 (VCV000008278.46), dbSNP rs72546667, ClinGen allele CA119422.
Genomic context (GRCh38, chr3:8,745,577, plus strand): 5'-CCCCTGCAGGTGGATTTTGAAGACGTGATCGCAGAGCCTGTGGGCACCTACAGCTTTGAC[G>A]GCGTGTGGAAGGTGAGCTACACCACCTTCACTGTCTCCAAGTACTGGTGCTACCGTCTGT-3'
Protein context (NP_203123.1, residues 46-66): AEPVGTYSFD[Gly56Ser]VWKVSYTTFT